The following is an entry in ClinVar:

ClinVar aggregate classification (germline): Uncertain significance. Review status: criteria provided, multiple submitters, no conflicts (2 of 4 stars). 2 submissions from 2 submitters: Uncertain significance (2). Last evaluated 2025-03-30.

Conditions:
Inborn genetic diseases. Identifiers: MedGen C0950123, MeSH D030342.

Allele frequency attached by ClinVar (database versions not stated): gnomAD exomes below 0.00001.
gnomAD v4.1: 2 of 1,545,242 alleles (0.00013%); highest among the groups gnomAD compares: Admixed American, 0.0039%; no homozygotes.

Submissions (2):

Ambry Genetics
Classification: Uncertain significance for Inborn genetic diseases. Last evaluated: 2025-03-30. Review status: criteria provided, single submitter. Criteria: Ambry Variant Classification Scheme 2023. Collection method: clinical testing. Allele origin: germline.

Labcorp Genetics (formerly Invitae), Labcorp
Classification: Uncertain significance. Last evaluated: 2022-11-10. Review status: criteria provided, single submitter. Criteria: Invitae Variant Classification Sherloc (09022015). Collection method: clinical testing. Allele origin: germline.
Comment: Algorithms developed to predict the effect of missense changes on protein structure and function output the following: SIFT: "Tolerated"; PolyPhen-2: "Not Available"; Align-GVGD: "Class C0". The leucine amino acid residue is found in multiple mammalian species, which suggests that this missense change does not adversely affect protein function. This sequence change replaces proline, which is neutral and non-polar, with leucine, which is neutral and non-polar, at codon 3 of the C1QTNF5 protein (p.Pro3Leu). The frequency data for this variant in the population databases is considered unreliable, as metrics indicate poor data quality at this position in the gnomAD database. This variant has not been reported in the literature in individuals affected with C1QTNF5-related conditions. In summary, the available evidence is currently insufficient to determine the role of this variant in disease. Therefore, it has been classified as a Variant of Uncertain Significance.

NM_001278431.2(C1QTNF5):c.8C>T (p.Pro3Leu)

Genes: C1QTNF5 (C1q and TNF related 5; minus strand), MFRP (membrane frizzled-related protein; minus strand). Cytogenetic location: 11q23.3.
Variant type: single nucleotide variant.
Coding change: c.8C>T on transcript NM_001278431.2 (MANE Select); coding-DNA position 8, C replaced by T.
Protein change: p.Pro3Leu; replaces proline 3 with leucine.
Molecular consequence: missense variant. On other transcripts: 3 prime UTR variant (1).
Genome position (GRCh38, 1-based): chr11:119,340,390, G>A on the plus strand (C>T on the coding strand, the complement: C1QTNF5 is on the minus strand). VCF-style: chr11-119340390-G-A. GRCh37 (hg19) VCF-style: chr11-119211100-G-A.
Other names: c.8C>T (NM_015645.3); c.8C>T, p.Pro3Leu (NM_015645.5); c.*904C>T (NM_031433.4); short protein forms P3L.
Identifiers: ClinVar variation 2963886 (VCV002963886.4), dbSNP rs1206336903, ClinGen allele CA382971164.